The following is an entry in ClinVar:

NM_001171613.2(PREPL):c.1799A>G (p.Asn600Ser)

Genes: PREPL (prolyl endopeptidase like; minus strand), SLC3A1 (solute carrier family 3 member 1; plus strand). Cytogenetic location: 2p21.
Variant type: single nucleotide variant.
Coding change: c.1799A>G on transcript NM_001171613.2 (MANE Select); coding-DNA position 1799, A replaced by G.
Protein change: p.Asn600Ser; replaces asparagine 600 with serine.
Molecular consequence: missense variant.
Genome position (GRCh38, 1-based): chr2:44,321,855, T>C on the plus strand (A>G on the coding strand, the complement: PREPL is on the minus strand). VCF-style: chr2-44321855-T-C. GRCh37 (hg19) VCF-style: chr2-44548994-T-C.
Other names: c.1880A>G, p.Asn627Ser (NM_001042385.2); c.1868A>G, p.Asn623Ser (NM_001042386.2); c.2066A>G, p.Asn689Ser (NM_001171603.1, NM_001171606.2, NM_001374275.1 and 2 more transcripts); c.1799A>G, p.Asn600Ser (NM_001171617.1, NM_001374277.1); short protein forms N600S, N627S, N623S, N689S.
Identifiers: ClinVar variation 2200526 (VCV002200526.4), dbSNP rs760875859, ClinGen allele CA1640944.

ClinVar aggregate classification (germline): Uncertain significance (1 of 4 stars; one submission).

Conditions:
Myasthenic syndrome, congenital, 22 (CMS22). Also called: PREPL DEFICIENCY. Identifiers: MedGen C4479088, MONDO:0044299, OMIM 616224.

Allele frequency attached by ClinVar (database versions not stated): ExAC 0.00001; gnomAD 0.00001; gnomAD exomes 0.00001.
gnomAD v4.1: 27 of 1,613,618 alleles (0.0017%); highest among the groups gnomAD compares: Non-Finnish European, 0.0016%; no homozygotes.

Submission:

Labcorp Genetics (formerly Invitae), Labcorp
Classification: Uncertain significance for Myasthenic syndrome, congenital, 22. Last evaluated: 2022-07-19. Review status: criteria provided, single submitter. Criteria: Invitae Variant Classification Sherloc (09022015). Collection method: clinical testing. Allele origin: germline.
Comment: In summary, the available evidence is currently insufficient to determine the role of this variant in disease. Therefore, it has been classified as a Variant of Uncertain Significance. Algorithms developed to predict the effect of missense changes on protein structure and function output the following: SIFT: "Tolerated"; PolyPhen-2: "Benign"; Align-GVGD: "Class C0". The serine amino acid residue is found in multiple mammalian species, which suggests that this missense change does not adversely affect protein function. This variant has not been reported in the literature in individuals affected with PREPL-related conditions. This variant is present in population databases (rs760875859, gnomAD 0.0009%). This sequence change replaces asparagine, which is neutral and polar, with serine, which is neutral and polar, at codon 689 of the PREPL protein (p.Asn689Ser).